The following is an entry in ClinVar:

ClinVar aggregate classification (germline): Benign (1 of 4 stars; one submission).

Conditions:
Tumor predisposition syndrome 2 (TPDS2). Also called: MBD4-ASSOCIATED NEOPLASIA SYNDROME; MBD4-Related Tumor Predisposition Syndrome; MBD4-associated neoplasia syndrome (MANS). Identifiers: Orphanet 661526, MedGen C5774186, MONDO:0859267, OMIM 619975.

Submission:

Myriad Genetics, Inc.
Classification: Benign for Tumor predisposition syndrome 2. Last evaluated: 2026-06-10. Review status: criteria provided, single submitter. Criteria: Myriad Autosomal Dominant, Autosomal Recessive and X-Linked Classification Criteria (2023). Collection method: clinical testing. Allele origin: unknown.
Comment: This variant is considered benign. This variant is a silent/synonymous amino acid change and it is not expected to impact splicing.

NM_001276270.2(MBD4):c.858A>G (p.Arg286=)

Gene: MBD4 (methyl-CpG binding domain 4, DNA glycosylase; minus strand). Cytogenetic location: 3q21.3.
Variant type: single nucleotide variant.
Coding change: c.858A>G on transcript NM_001276270.2 (MANE Select); coding-DNA position 858, A replaced by G.
Protein change: p.Arg286=; no amino-acid change (arginine 286 retained).
Molecular consequence: synonymous variant. On other transcripts: intron variant (1).
Genome position (GRCh38, 1-based): chr3:129,436,786, T>C on the plus strand (A>G on the coding strand, the complement: MBD4 is on the minus strand). VCF-style: chr3-129436786-T-C. GRCh37 (hg19) VCF-style: chr3-129155629-T-C.
Other names: c.858A>G, p.Arg286= (NM_001276271.2, NM_001276272.2, NM_003925.3); c.247+1022A>G (NM_001276273.2).
Identifiers: ClinVar variation 4876061 (VCV004876061.1).
Genomic context (GRCh38, chr3:129,436,786, plus strand): 5'-TTCTTCACTGGTCACACTGAGGGTCTCACCACATGCTCCAGCATCAGAAATGCAGACAGT[T>C]CTATCAAGCTGACTTTTTTGTGCAACAGGTTCACTTTCAGCATCTGCTTTATTACACACA-3'
Protein context (NP_001263199.1, residues 276-296): EPVAQKSQLD[Arg286=]TVCISDAGAC